The following is an entry in ClinVar:

ClinVar aggregate classification (germline): Uncertain significance (1 of 4 stars; one submission).

Allele frequency attached by ClinVar (database versions not stated): TOPMed 0.00001.
gnomAD v4.1: 1 of 1,550,488 alleles (0.000064%); highest among the groups gnomAD compares: East Asian, 0.0024%; no homozygotes.

Submission:

GeneDx
Classification: Uncertain significance. Last evaluated: 2021-09-08. Review status: criteria provided, single submitter. Criteria: GeneDx Variant Classification Process June 2021. Collection method: clinical testing. Allele origin: germline. Affected: yes.
Comment: Not observed at significant frequency in large population cohorts (Lek et al., 2016); In silico analysis supports that this missense variant does not alter protein structure/function; Has not been previously published as pathogenic or benign to our knowledge

NM_001292063.2(OTOG):c.5921C>T (p.Ala1974Val)

Gene: OTOG (otogelin; plus strand). Cytogenetic location: 11p15.1.
Variant type: single nucleotide variant.
Coding change: c.5921C>T on transcript NM_001292063.2 (MANE Select); coding-DNA position 5921, C replaced by T.
Protein change: p.Ala1974Val; replaces alanine 1974 with valine.
Molecular consequence: missense variant.
Genome position (GRCh38, 1-based): chr11:17,611,221, C>T. VCF-style: chr11-17611221-C-T. GRCh37 (hg19) VCF-style: chr11-17632768-C-T.
Other names: c.5957C>T, p.Ala1986Val (NM_001277269.2); short protein forms A1974V, A1986V.
Identifiers: ClinVar variation 1254545 (VCV001254545.2), dbSNP rs1304160501, ClinGen allele CA379802180.